The following is an entry in ClinVar:

ClinVar aggregate classification (germline): Likely benign (0 of 4 stars; one submission).

Conditions:
PHF3-related disorder. Also called: PHF3-related condition.

Allele frequency attached by ClinVar (database versions not stated): ESP Exome Variant Server 0.00008; gnomAD 0.00014; ExAC 0.00023; TOPMed 0.00023; gnomAD exomes 0.00026.
gnomAD v4.1: 402 of 1,613,732 alleles (0.025%); highest among the groups gnomAD compares: Non-Finnish European, 0.032%; 1 homozygote.

Submission:

PreventionGenetics, part of Exact Sciences
Classification: Likely benign for PHF3-related condition. Last evaluated: 2019-08-09. Review status: no assertion criteria provided. Collection method: clinical testing. Allele origin: germline.
Comment: This variant is classified as likely benign based on ACMG/AMP sequence variant interpretation guidelines (Richards et al. 2015 PMID: 25741868, with internal and published modifications).

NM_001370348.2(PHF3):c.4692A>G (p.Pro1564=)

Gene: PHF3 (PHD finger protein 3; plus strand). Cytogenetic location: 6q12.
Variant type: single nucleotide variant.
Coding change: c.4692A>G on transcript NM_001370348.2 (MANE Select); coding-DNA position 4692, A replaced by G.
Protein change: p.Pro1564=; no amino-acid change (proline 1564 retained).
Molecular consequence: synonymous variant.
Genome position (GRCh38, 1-based): chr6:63,712,280, A>G. VCF-style: chr6-63712280-A-G. GRCh37 (hg19) VCF-style: chr6-64422176-A-G.
Other names: c.4428A>G, p.Pro1476= (NM_001290259.2, NM_001370349.2); c.2499A>G, p.Pro833= (NM_001370350.2); c.4692A>G, p.Pro1564= (NM_015153.4).
Identifiers: ClinVar variation 3035300 (VCV003035300.2), dbSNP rs201512801, ClinGen allele CA3876397.
Genomic context (GRCh38, chr6:63,712,280, plus strand): 5'-AGTAGGGTCCTCTTCCATTTCTGCAGGGTCTTTGACGAGTCTTAGTCTCAGAGGTAAGCC[A>G]CCAGATGTTTCTACAGAAGCATTTTTAACAAATTTATCAATTCAGTCAAAACAAGAGGAA-3'
Protein context (NP_001357277.1, residues 1554-1574): SLTSLSLRGK[Pro1564=]PDVSTEAFLT